The following is an entry in ClinVar:

NM_001197104.2(KMT2A):c.6894C>T (p.Asp2298=)

Gene: KMT2A (lysine methyltransferase 2A; plus strand). Cytogenetic location: 11q23.3.
Variant type: single nucleotide variant.
Coding change: c.6894C>T on transcript NM_001197104.2 (MANE Select); coding-DNA position 6894, C replaced by T.
Protein change: p.Asp2298=; no amino-acid change (aspartic acid 2298 retained).
Molecular consequence: synonymous variant.
Genome position (GRCh38, 1-based): chr11:118,502,786, C>T. VCF-style: chr11-118502786-C-T. GRCh37 (hg19) VCF-style: chr11-118373501-C-T.
Other names: c.6885C>T, p.Asp2295= (NM_005933.4).
Identifiers: ClinVar variation 1464102 (VCV001464102.32), dbSNP rs782004426, ClinGen allele CA6304324.

ClinVar aggregate classification (germline): Likely benign. Review status: criteria provided, multiple submitters, no conflicts (2 of 4 stars). 3 submissions from 3 submitters: Likely benign (3). Last evaluated 2025-10-06.

Allele frequency attached by ClinVar (database versions not stated): ExAC 0.00001; gnomAD 0.00001; gnomAD exomes 0.00001.
gnomAD v4.1: 21 of 1,614,078 alleles (0.0013%); highest among the groups gnomAD compares: Middle Eastern, 0.082%; no homozygotes.

Submissions (3):

Labcorp Genetics (formerly Invitae), Labcorp
Classification: Likely benign. Last evaluated: 2025-10-06. Review status: criteria provided, single submitter. Criteria: Invitae Variant Classification Sherloc (09022015). Collection method: clinical testing. Allele origin: germline.

CeGaT Center for Human Genetics Tuebingen
Classification: Likely benign. Last evaluated: 2025-01-01. Review status: criteria provided, single submitter. Criteria: CeGaT Center For Human Genetics Tuebingen Variant Classification Criteria Version 2. Collection method: clinical testing. Allele origin: germline. Affected: yes. Observed: 2 variant alleles.
Comment: KMT2A: BP4, BP7

Blueprint Genetics
Classification: Likely benign. Last evaluated: 2023-08-18. Review status: criteria provided, single submitter. Criteria: ACMG Guidelines, 2015. Collection method: clinical testing. Allele origin: germline.